The following is an entry in ClinVar:

NM_001134831.2(AHI1):c.2671C>G (p.Arg891Gly)

Gene: AHI1 (Abelson helper integration site 1; minus strand). Cytogenetic location: 6q23.3.
Variant type: single nucleotide variant.
Coding change: c.2671C>G on transcript NM_001134831.2 (MANE Select); coding-DNA position 2671, C replaced by G.
Protein change: p.Arg891Gly; replaces arginine 891 with glycine.
Molecular consequence: missense variant.
Genome position (GRCh38, 1-based): chr6:135,427,260, G>C on the plus strand (C>G on the coding strand, the complement: AHI1 is on the minus strand). VCF-style: chr6-135427260-G-C. GRCh37 (hg19) VCF-style: chr6-135748398-G-C.
Other names: c.2671C>G, p.Arg891Gly (NM_001134830.2, NM_001134832.2, NM_001350503.2 and 2 more transcripts); short protein forms R891G.
Identifiers: ClinVar variation 1446998 (VCV001446998.8), dbSNP rs1355690902, ClinGen allele CA365741329.

ClinVar aggregate classification (germline): Uncertain significance (1 of 4 stars; one submission).

Conditions:
Joubert syndrome. Also called: CEREBELLOPARENCHYMAL DISORDER IV; JOUBERT-BOLTSHAUSER SYNDROME; Familial aplasia of the vermis. Identifiers: Orphanet 475, MedGen C5979921, MONDO:0018772.

Allele frequency attached by ClinVar (database versions not stated): gnomAD 0.00001.
gnomAD v4.1: 1 of 1,610,180 alleles (0.000062%); highest among the groups gnomAD compares: African/African-American, 0.0013%; no homozygotes.

Submission:

Labcorp Genetics (formerly Invitae), Labcorp
Classification: Uncertain significance for Joubert syndrome. Last evaluated: 2025-12-15. Review status: criteria provided, single submitter. Criteria: Invitae Variant Classification Sherloc (09022015). Collection method: clinical testing. Allele origin: germline.
Comment: This sequence change replaces arginine, which is basic and polar, with glycine, which is neutral and non-polar, at codon 891 of the AHI1 protein (p.Arg891Gly). This variant is not present in population databases (gnomAD no frequency). This variant has not been reported in the literature in individuals affected with AHI1-related conditions. ClinVar contains an entry for this variant (Variation ID: 1446998). Invitae Evidence Modeling of protein sequence and biophysical properties (such as structural, functional, and spatial information, amino acid conservation, physicochemical variation, residue mobility, and thermodynamic stability) has been performed for this missense variant. However, the output from this modeling did not meet the statistical confidence thresholds required to predict the impact of this variant on AHI1 protein function. In summary, the available evidence is currently insufficient to determine the role of this variant in disease. Therefore, it has been classified as a Variant of Uncertain Significance.